The following is an entry in ClinVar:

ClinVar aggregate classification (germline): Pathogenic (1 of 4 stars; one submission).

Submission:

Labcorp Genetics (formerly Invitae), Labcorp
Classification: Pathogenic. Last evaluated: 2022-11-30. Review status: criteria provided, single submitter. Criteria: Invitae Variant Classification Sherloc (09022015). Collection method: clinical testing. Allele origin: germline.
Comment: This variant has been observed in individual(s) with lissencephaly (Invitae). In at least one individual the variant was observed to be de novo. For these reasons, this variant has been classified as Pathogenic. Algorithms developed to predict the effect of sequence changes on RNA splicing suggest that this variant may disrupt the consensus splice site. This variant is not present in population databases (gnomAD no frequency). This sequence change falls in intron 6 of the PAFAH1B1 gene. It does not directly change the encoded amino acid sequence of the PAFAH1B1 protein.

NM_000430.4(PAFAH1B1):c.569-6T>C

Gene: PAFAH1B1 (platelet activating factor acetylhydrolase 1b regulatory subunit 1; plus strand). Cytogenetic location: 17p13.3.
Variant type: single nucleotide variant.
Coding change: c.569-6T>C on transcript NM_000430.4 (MANE Select); 6 bases into the intron before coding-DNA position 569, T replaced by C.
Molecular consequence: intron variant.
Genome position (GRCh38, 1-based): chr17:2,672,649, T>C. VCF-style: chr17-2672649-T-C. GRCh37 (hg19) VCF-style: chr17-2575943-T-C.
Identifiers: ClinVar variation 2036605 (VCV002036605.4), dbSNP rs2544102391, ClinGen allele CA2580092566.